The following is an entry in ClinVar:

NM_015158.5(KANK1):c.3228G>A (p.Lys1076=)

Gene: KANK1 (KN motif and ankyrin repeat domains 1; plus strand). Cytogenetic location: 9p24.3.
Variant type: single nucleotide variant.
Coding change: c.3228G>A on transcript NM_015158.5 (MANE Select); coding-DNA position 3228, G replaced by A.
Protein change: p.Lys1076=; no amino-acid change (lysine 1076 retained).
Molecular consequence: synonymous variant. On other transcripts: intron variant (5).
Genome position (GRCh38, 1-based): chr9:732,600, G>A. VCF-style: chr9-732600-G-A. GRCh37 (hg19) VCF-style: chr9-732600-G-A.
Other names: c.3228G>A, p.Lys1076= (NM_001256877.3, NM_001354334.2, NM_001256876.3); c.3174G>A, p.Lys1058= (NM_001354332.2); c.2754G>A, p.Lys918= (NM_001354333.2, NM_001354335.2, NM_001354337.2 and 2 more transcripts); c.2700G>A, p.Lys900= (NM_001354338.2, NM_001354340.2, NM_001354344.2); c.3005+1334G>A (NM_001354331.2); c.2477+1334G>A (NM_001354336.2); c.2531+1334G>A (NM_001354339.2, NM_001354343.2, NM_001354342.2).
Identifiers: ClinVar variation 3353954 (VCV003353954.1).
Genomic context (GRCh38, chr9:732,600, plus strand): 5'-AGGTTTGAAGTCTGCCAGGGTGGAAGATGAAATGCAGGTTCAAGAATGTGAACCTGAGAA[G>A]GTGGAAATCAGAGAGAGGTGTGGTACATTCCCCTTCCCTCCCTTGCCCCTCCCACATTTA-3'
Protein context (NP_055973.2, residues 1066-1086): EMQVQECEPE[Lys1076=]VEIRERYELS

ClinVar aggregate classification (germline): Likely benign (0 of 4 stars; one submission).

Conditions:
KANK1-related disorder. Also called: KANK1-related condition.

gnomAD v4.1: 1 of 1,614,050 alleles (0.000062%); highest among the groups gnomAD compares: African/African-American, 0.0013%; no homozygotes.

Submission:

PreventionGenetics, part of Exact Sciences
Classification: Likely benign for KANK1-related condition. Last evaluated: 2024-09-26. Review status: no assertion criteria provided. Collection method: clinical testing. Allele origin: germline.
Comment: This variant is classified as likely benign based on ACMG/AMP sequence variant interpretation guidelines (Richards et al. 2015 PMID: 25741868, with internal and published modifications).